The following is an entry in ClinVar:

NM_000111.3(SLC26A3):c.865C>A (p.Pro289Thr)

Gene: SLC26A3 (solute carrier family 26 member 3; minus strand). Cytogenetic location: 7q22.3.
Variant type: single nucleotide variant.
Coding change: c.865C>A on transcript NM_000111.3 (MANE Select); coding-DNA position 865, C replaced by A.
Protein change: p.Pro289Thr; replaces proline 289 with threonine.
Molecular consequence: missense variant.
Genome position (GRCh38, 1-based): chr7:107,787,380, G>T on the plus strand (C>A on the coding strand, the complement: SLC26A3 is on the minus strand). VCF-style: chr7-107787380-G-T. GRCh37 (hg19) VCF-style: chr7-107427825-G-T.
Other names: short protein forms P289T.
Identifiers: ClinVar variation 2417950 (VCV002417950.4), dbSNP rs760033252, ClinGen allele CA4434015.

ClinVar aggregate classification (germline): Uncertain significance. Review status: criteria provided, multiple submitters, no conflicts (2 of 4 stars). 2 submissions from 2 submitters: Uncertain significance (2). Last evaluated 2023-10-20.

Conditions:
Inborn genetic diseases. Identifiers: MedGen C0950123, MeSH D030342.

Allele frequency attached by ClinVar (database versions not stated): gnomAD exomes 0.00001; gnomAD 0.00002; ExAC 0.00004; TOPMed 0.00005.
gnomAD v4.1: 16 of 1,614,054 alleles (0.00099%); highest among the groups gnomAD compares: East Asian, 0.027%; no homozygotes.

Submissions (2):

Ambry Genetics
Classification: Uncertain significance for Inborn genetic diseases. Last evaluated: 2023-10-20. Review status: criteria provided, single submitter. Criteria: Ambry Variant Classification Scheme 2023. Collection method: clinical testing. Allele origin: germline.

Labcorp Genetics (formerly Invitae), Labcorp
Classification: Uncertain significance. Last evaluated: 2022-04-11. Review status: criteria provided, single submitter. Criteria: Invitae Variant Classification Sherloc (09022015). Collection method: clinical testing. Allele origin: germline.
Comment: This sequence change replaces proline, which is neutral and non-polar, with threonine, which is neutral and polar, at codon 289 of the SLC26A3 protein (p.Pro289Thr). This variant is present in population databases (rs760033252, gnomAD 0.08%). This variant has not been reported in the literature in individuals affected with SLC26A3-related conditions. Advanced modeling of protein sequence and biophysical properties (such as structural, functional, and spatial information, amino acid conservation, physicochemical variation, residue mobility, and thermodynamic stability) performed at Invitae indicates that this missense variant is expected to disrupt SLC26A3 protein function. In summary, the available evidence is currently insufficient to determine the role of this variant in disease. Therefore, it has been classified as a Variant of Uncertain Significance.